The following is an entry in ClinVar:

ClinVar aggregate classification (germline): Uncertain significance (1 of 4 stars; one submission).

Submission:

Mayo Clinic Laboratories, Mayo Clinic
Classification: Uncertain significance. Last evaluated: 2025-01-19. Review status: criteria provided, single submitter. Criteria: ACMG Guidelines, 2015. Collection method: clinical testing. Allele origin: germline. Observed: 1 variant allele.
Comment: BP4

NM_004715.5(CTDP1):c.2611G>A (p.Asp871Asn)

Gene: CTDP1 (CTD phosphatase subunit 1; plus strand). Cytogenetic location: 18q23.
Variant type: single nucleotide variant.
Coding change: c.2611G>A on transcript NM_004715.5 (MANE Select); coding-DNA position 2611, G replaced by A.
Protein change: p.Asp871Asn; replaces aspartic acid 871 with asparagine.
Molecular consequence: missense variant. On other transcripts: synonymous variant (1), intron variant (1).
Genome position (GRCh38, 1-based): chr18:79,736,385, G>A. VCF-style: chr18-79736385-G-A. GRCh37 (hg19) VCF-style: chr18-77496385-G-A.
Other names: p.Asp871Asn; c.2254G>A, p.Asp752Asn (NM_001202504.1); c.2448G>A, p.Thr816= (NM_048368.4); c.2580+7316G>A (NM_001318511.2); short protein forms D752N, D871N.
Identifiers: ClinVar variation 4542275 (VCV004542275.1).